The following is an entry in ClinVar:

ClinVar aggregate classification (germline): Uncertain significance (1 of 4 stars; one submission).

Conditions:
Capillary malformation-arteriovenous malformation syndrome. Also called: Capillary malformation-arteriovenous malformation. Identifiers: Orphanet 137667, MedGen C1842180, MONDO:0012016.

Allele frequency attached by ClinVar (database versions not stated): gnomAD exomes 0.00001.
gnomAD v4.1: 3 of 1,613,640 alleles (0.00019%); highest among the groups gnomAD compares: Non-Finnish European, 0.00025%; no homozygotes.

Submission:

Labcorp Genetics (formerly Invitae), Labcorp
Classification: Uncertain significance for Capillary malformation-arteriovenous malformation syndrome. Last evaluated: 2023-08-11. Review status: criteria provided, single submitter. Criteria: Invitae Variant Classification Sherloc (09022015). Collection method: clinical testing. Allele origin: germline.
Comment: In summary, the available evidence is currently insufficient to determine the role of this variant in disease. Therefore, it has been classified as a Variant of Uncertain Significance. An algorithm developed to predict the effect of missense changes on protein structure and function (PolyPhen-2) suggests that this variant is likely to be tolerated. This variant has not been reported in the literature in individuals affected with RASA1-related conditions. This variant is present in population databases (no rsID available, gnomAD no frequency). This sequence change replaces threonine, which is neutral and polar, with isoleucine, which is neutral and non-polar, at codon 585 of the RASA1 protein (p.Thr585Ile).

NM_002890.3(RASA1):c.1754C>T (p.Thr585Ile)

Genes: CCNH (cyclin H; minus strand), RASA1 (RAS p21 protein activator 1; plus strand). Cytogenetic location: 5q14.3.
Variant type: single nucleotide variant.
Coding change: c.1754C>T on transcript NM_002890.3 (MANE Select); coding-DNA position 1754, C replaced by T.
Protein change: p.Thr585Ile; replaces threonine 585 with isoleucine.
Molecular consequence: missense variant. On other transcripts: intron variant (1).
Genome position (GRCh38, 1-based): chr5:87,372,173, C>T. VCF-style: chr5-87372173-C-T. GRCh37 (hg19) VCF-style: chr5-86667990-C-T.
Other names: c.1223C>T, p.Thr408Ile (NM_022650.3); c.933+22871G>A (NM_001364075.2); short protein forms T408I, T585I.
Identifiers: ClinVar variation 2967939 (VCV002967939.3), dbSNP rs1326946649, ClinGen allele CA360373194.